The following is an entry in ClinVar:

NM_032043.3(BRIP1):c.94-10del

Gene: BRIP1 (BRCA1 interacting DNA helicase 1; minus strand). Cytogenetic location: 17q23.2.
Variant type: Deletion.
Coding change: c.94-10del on transcript NM_032043.3 (MANE Select); 10 bases into the intron before coding-DNA position 94, one base deleted (G; older notation c.94-10delG).
Molecular consequence: intron variant.
Genome position (GRCh38, 1-based): chr17:61,859,917, C deleted on the plus strand (G on the coding strand, the reverse complement: BRIP1 is on the minus strand). VCF-style (leftmost placement, unchanged base first): chr17-61859916-AC-A. GRCh37 (hg19) VCF-style: chr17-59937277-AC-A.
Other names: c.94-10del (NM_032043.2).
Identifiers: ClinVar variation 1158940 (VCV001158940.13), dbSNP rs2145853311, ClinGen allele CA2499224820.

ClinVar aggregate classification (germline): Likely benign. Review status: criteria provided, multiple submitters, no conflicts (2 of 4 stars). 4 submissions from 4 submitters: Likely benign (4). Last evaluated 2024-08-09.

Conditions:
Hereditary cancer-predisposing syndrome. Also called: Neoplastic Syndromes, Hereditary; Hereditary Cancer Syndrome; Hereditary neoplastic syndrome; Tumor predisposition. Identifiers: Orphanet 140162, MedGen C0027672, MeSH D009386, MONDO:0015356.
Fanconi anemia complementation group J. Also called: BRIP1-Related Fanconi Anemia. Identifiers: Orphanet 84, MedGen C1836860, MONDO:0012187, OMIM 609054.
Familial cancer of breast. Also called: hereditary breast carcinoma; Hereditary breast cancer; BREAST CANCER, FAMILIAL. Identifiers: Orphanet 227535, MedGen C0346153, MONDO:0016419, OMIM 114480. Disease mechanism: loss of function.

Allele frequency attached by ClinVar (database versions not stated): gnomAD exomes below 0.00001.

Submissions (4):

Myriad Genetics, Inc.
Classification: Likely benign for Familial cancer of breast. Last evaluated: 2024-08-09. Review status: criteria provided, single submitter. Criteria: Myriad Autosomal Dominant, Autosomal Recessive and X-Linked Classification Criteria (2023). Collection method: clinical testing. Allele origin: unknown.
Comment: This variant is considered likely benign. This variant is intronic and is not expected to impact mRNA splicing.

Color Diagnostics, LLC DBA Color Health
Classification: Likely benign for Hereditary cancer-predisposing syndrome. Last evaluated: 2023-10-04. Review status: criteria provided, single submitter. Criteria: ACMG Guidelines, 2015. Collection method: clinical testing. Allele origin: germline.

Labcorp Genetics (formerly Invitae), Labcorp
Classification: Likely benign for Familial cancer of breast; Fanconi anemia complementation group J. Last evaluated: 2023-08-01. Review status: criteria provided, single submitter. Criteria: Invitae Variant Classification Sherloc (09022015). Collection method: clinical testing. Allele origin: germline.

Department of Pathology and Laboratory Medicine, Sinai Health System
Classification: Likely benign for Familial cancer of breast. Last evaluated: 2021-10-25. Review status: criteria provided, single submitter. Criteria: ACMG Guidelines, 2015. Collection method: clinical testing. Allele origin: germline. Affected: yes.